The following is an entry in ClinVar:

NM_015335.5(MED13L):c.36G>A (p.Ala12=)

Gene: MED13L (mediator complex subunit 13L; minus strand). Cytogenetic location: 12q24.21.
Variant type: single nucleotide variant.
Coding change: c.36G>A on transcript NM_015335.5 (MANE Select); coding-DNA position 36, G replaced by A.
Protein change: p.Ala12=; no amino-acid change (alanine 12 retained).
Molecular consequence: synonymous variant.
Genome position (GRCh38, 1-based): chr12:116,277,096, C>T on the plus strand (G>A on the coding strand, the complement: MED13L is on the minus strand). VCF-style: chr12-116277096-C-T. GRCh37 (hg19) VCF-style: chr12-116714901-C-T.
Identifiers: ClinVar variation 2419202 (VCV002419202.35), dbSNP rs562987588, ClinGen allele CA6811868.

ClinVar aggregate classification (germline): Benign/Likely benign. Review status: criteria provided, multiple submitters, no conflicts (2 of 4 stars). 3 submissions from 3 submitters: Benign (1); Likely benign (2). Last evaluated 2025-11-23.

Conditions:
Dextro-looped transposition of the great arteries. Also called: Dextrotransposition of the great arteries. Identifiers: Orphanet 860, MedGen C3531771, MONDO:0019443, OMIM 608808, HP:0031348.

Allele frequency attached by ClinVar (database versions not stated): TOPMed 0.00007; gnomAD 0.00009; 1000 Genomes Project 30x 0.00016; gnomAD exomes 0.00019; 1000 Genomes Project 0.00020; ExAC 0.00076.
gnomAD v4.1: 300 of 1,591,278 alleles (0.019%); highest among the groups gnomAD compares: South Asian, 0.18%; 1 homozygote.

Submissions (3):

Labcorp Genetics (formerly Invitae), Labcorp
Classification: Benign for Dextro-looped transposition of the great arteries. Last evaluated: 2025-11-23. Review status: criteria provided, single submitter. Criteria: Invitae Variant Classification Sherloc (09022015). Collection method: clinical testing. Allele origin: germline.

CeGaT Center for Human Genetics Tuebingen
Classification: Likely benign. Last evaluated: 2025-11-01. Review status: criteria provided, single submitter. Criteria: CeGaT Center For Human Genetics Tuebingen Variant Classification Criteria Version 2. Collection method: clinical testing. Allele origin: germline. Affected: yes. Observed: 4 variant alleles.
Comment: MED13L: BP4, BP7

Blueprint Genetics
Classification: Likely benign. Last evaluated: 2024-11-21. Review status: criteria provided, single submitter. Criteria: ACMG Guidelines, 2015. Collection method: clinical testing. Allele origin: germline.